The following is an entry in ClinVar:

NM_000128.4(F11):c.1378T>C (p.Phe460Leu)

Gene: F11 (coagulation factor XI; plus strand). Cytogenetic location: 4q35.2.
Variant type: single nucleotide variant.
Coding change: c.1378T>C on transcript NM_000128.4 (MANE Select); coding-DNA position 1378, T replaced by C.
Protein change: p.Phe460Leu; replaces phenylalanine 460 with leucine.
Molecular consequence: missense variant.
Genome position (GRCh38, 1-based): chr4:186,285,711, T>C. VCF-style: chr4-186285711-T-C. GRCh37 (hg19) VCF-style: chr4-187206865-T-C.
Other names: c.1330T>C, p.Phe444Leu (NM_001440590.1, NM_001440596.1); c.1378T>C, p.Phe460Leu (NM_001440593.1); c.1108T>C, p.Phe370Leu (NM_001440605.1, NM_001440607.1); c.1060T>C, p.Phe354Leu (NM_001440606.1, NM_001440608.1); short protein forms F354L, F370L, F444L, F460L.
Identifiers: ClinVar variation 4817487 (VCV004817487.1).
Genomic context (GRCh38, chr4:186,285,711, plus strand): 5'-AAGATTTTGCGTGTCTACAGTGGCATTTTAAATCAATCTGAAATAAAAGAGGACACATCT[T>C]TCTTTGGGGTTCAAGAAATAATAATCCATGATCAGTATAAAATGGCAGAAAGCGGGTATG-3'
Protein context (NP_000119.1, residues 450-470): NQSEIKEDTS[Phe460Leu]FGVQEIIIHD

ClinVar aggregate classification (germline): Likely pathogenic (1 of 4 stars; one submission).

Conditions:
Plasma factor XI deficiency.

gnomAD v4.1: 1 of 1,614,136 alleles (0.000062%); highest among the groups gnomAD compares: Non-Finnish European, 0.000085%; no homozygotes.

Submission:

Natera, Inc.
Classification: Likely pathogenic for Plasma factor XI deficiency. Last evaluated: 2025-12-16. Review status: criteria provided, single submitter. Criteria: Natera Variant Classification Schema (03/2026). Collection method: clinical testing. Allele origin: germline.
Comment: The c.1378T>C variant in F11 is a missense variant predicted to cause substitution of phenylalanine to leucine at amino acid 460. This variant is rare in the general population with a frequency below the threshold expected for the associated phenotype(s). This variant has been observed in one or more individuals affected with the associated recessive disease, as either homozygous or compound heterozygous with a second variant (PMID: 32335422). This variant has been identified in one or more affected individual with a phenotype highly consistent with the associated gene (PMID: 32335422). Computational prediction algorithms indicate this variant is likely to affect gene or protein function. Given the available evidence, this variant is classified as Likely Pathogenic.

Literature cited by the submitters: PubMed 32335422.